The following is an entry in ClinVar:

ClinVar aggregate classification (germline): Benign/Likely benign. Review status: criteria provided, multiple submitters, no conflicts (2 of 4 stars). 4 submissions from 4 submitters: Benign (1); Likely benign (3). Last evaluated 2026-01-29.

Conditions:
Peroxisome biogenesis disorder. Identifiers: Orphanet 79189, MedGen C1832200, MONDO:0019234. Disease mechanism: loss of function.

Allele frequency attached by ClinVar (database versions not stated): gnomAD below 0.00001 and 0.00025; TOPMed 0.00006; ESP Exome Variant Server 0.00008; gnomAD exomes 0.00057; ExAC 0.00061; 1000 Genomes Project 30x 0.00094; 1000 Genomes Project 0.00100.
gnomAD v4.1: 462 of 1,613,508 alleles (0.029%); highest among the groups gnomAD compares: South Asian, 0.47%; 3 homozygotes.

Submissions (4):

Labcorp Genetics (formerly Invitae), Labcorp
Classification: Benign for Peroxisome biogenesis disorder. Last evaluated: 2026-01-29. Review status: criteria provided, single submitter. Criteria: Invitae Variant Classification Sherloc (09022015). Collection method: clinical testing. Allele origin: germline.

CeGaT Center for Human Genetics Tuebingen
Classification: Likely benign. Last evaluated: 2025-11-01. Review status: criteria provided, single submitter. Criteria: CeGaT Center For Human Genetics Tuebingen Variant Classification Criteria Version 2. Collection method: clinical testing. Allele origin: germline. Affected: yes. Observed: 1 variant allele.
Comment: PEX6: BP4, BP7

Blueprint Genetics
Classification: Likely benign. Last evaluated: 2023-05-16. Review status: criteria provided, single submitter. Criteria: ACMG Guidelines, 2015. Collection method: clinical testing. Allele origin: germline.

Eurofins Ntd Llc (ga)
Classification: Likely benign. Last evaluated: 2018-03-26. Review status: criteria provided, single submitter. Criteria: EGL ClinVar v180209 classification definitions. Collection method: clinical testing. Allele origin: germline. Observed: 1 variant allele, 1 heterozygote.

NM_000287.4(PEX6):c.969C>T (p.Ile323=)

Gene: PEX6 (peroxisomal biogenesis factor 6; minus strand). Cytogenetic location: 6p21.1.
Variant type: single nucleotide variant.
Coding change: c.969C>T on transcript NM_000287.4 (MANE Select); coding-DNA position 969, C replaced by T.
Protein change: p.Ile323=; no amino-acid change (isoleucine 323 retained).
Molecular consequence: synonymous variant. On other transcripts: non-coding transcript variant (1).
Genome position (GRCh38, 1-based): chr6:42,974,952, G>A on the plus strand (C>T on the coding strand, the complement: PEX6 is on the minus strand). VCF-style: chr6-42974952-G-A. GRCh37 (hg19) VCF-style: chr6-42942690-G-A.
Other names: c.705C>T, p.Ile235= (NM_001316313.2).
Identifiers: ClinVar variation 596379 (VCV000596379.23), dbSNP rs143001881, ClinGen allele CA3811500.
Genomic context (GRCh38, chr6:42,974,952, plus strand): 5'-CCGGTAAAGAACACCGTCATAATTTCCATTAGTGCTGTAGTGGGGAGAAGACACAATTTC[G>A]ATGTGTAACTCTCTGGCAAATGGAGGCCCAGGCAGCAATGAGCAGCTTCCTTTGTCTTCA-3'
Protein context (NP_000278.3, residues 313-333): PGPPFARELH[Ile323=]EIVSSPHYST